The following is an entry in ClinVar:

NM_198576.4(AGRN):c.2713C>G (p.Arg905Gly)

Gene: AGRN (agrin; plus strand). Cytogenetic location: 1p36.33.
Variant type: single nucleotide variant.
Coding change: c.2713C>G on transcript NM_198576.4 (MANE Select); coding-DNA position 2713, C replaced by G.
Protein change: p.Arg905Gly; replaces arginine 905 with glycine.
Molecular consequence: missense variant.
Genome position (GRCh38, 1-based): chr1:1,045,996, C>G. VCF-style: chr1-1045996-C-G. GRCh37 (hg19) VCF-style: chr1-981376-C-G.
Other names: c.2713C>G, p.Arg905Gly (NM_001305275.2); c.2398C>G, p.Arg800Gly (NM_001364727.2); short protein forms R905G, R800G.
Identifiers: ClinVar variation 834656 (VCV000834656.9), dbSNP rs199593375, ClinGen allele CA508779.

ClinVar aggregate classification (germline): Uncertain significance. Review status: criteria provided, multiple submitters, no conflicts (2 of 4 stars). 2 submissions from 2 submitters: Uncertain significance (2). Last evaluated 2024-09-27.

Conditions:
Congenital myasthenic syndrome 8. Also called: Myasthenic syndrome, congenital, 8, with pre- and postsynaptic defects; MYASTHENIC SYNDROME, CONGENITAL, DUE TO AGRIN DEFICIENCY. Identifiers: Orphanet 590, MedGen C3808739, MONDO:0014052, OMIM 615120.

Allele frequency attached by ClinVar (database versions not stated): TOPMed 0.00001.
gnomAD v4.1: 52 of 1,613,818 alleles (0.0032%); highest among the groups gnomAD compares: Non-Finnish European, 0.0042%; no homozygotes.

Submissions (2):

Labcorp Genetics (formerly Invitae), Labcorp
Classification: Uncertain significance for Congenital myasthenic syndrome 8. Last evaluated: 2024-09-27. Review status: criteria provided, single submitter. Criteria: Invitae Variant Classification Sherloc (09022015). Collection method: clinical testing. Allele origin: germline.
Comment: This sequence change replaces arginine, which is basic and polar, with glycine, which is neutral and non-polar, at codon 905 of the AGRN protein (p.Arg905Gly). This variant is present in population databases (rs199593375, gnomAD 0.004%). This variant has not been reported in the literature in individuals affected with AGRN-related conditions. ClinVar contains an entry for this variant (Variation ID: 834656). An algorithm developed to predict the effect of missense changes on protein structure and function (PolyPhen-2) suggests that this variant¬†is likely to be tolerated. In summary, the available evidence is currently insufficient to determine the role of this variant in disease. Therefore, it has been classified as a Variant of Uncertain Significance.

GeneDx
Classification: Uncertain significance. Last evaluated: 2022-06-17. Review status: criteria provided, single submitter. Criteria: GeneDx Variant Classification Process June 2021. Collection method: clinical testing. Allele origin: germline. Affected: yes.
Comment: Not observed at significant frequency in large population cohorts (gnomAD); In silico analysis supports that this missense variant does not alter protein structure/function; Has not been previously published as pathogenic or benign to our knowledge